The following is an entry in ClinVar:

ClinVar aggregate classification (germline): Uncertain significance (1 of 4 stars; one submission).

Allele frequency attached by ClinVar (database versions not stated): ExAC 0.00002; gnomAD exomes 0.00003 and 0.00004; TOPMed 0.00004; gnomAD 0.00006.
gnomAD v4.1: 76 of 1,614,052 alleles (0.0047%); highest among the groups gnomAD compares: African/African-American, 0.017%; no homozygotes.

Submission:

Labcorp Genetics (formerly Invitae), Labcorp
Classification: Uncertain significance. Last evaluated: 2022-12-06. Review status: criteria provided, single submitter. Criteria: Invitae Variant Classification Sherloc (09022015). Collection method: clinical testing. Allele origin: germline.
Comment: In summary, the available evidence is currently insufficient to determine the role of this variant in disease. Therefore, it has been classified as a Variant of Uncertain Significance. Advanced modeling of protein sequence and biophysical properties (such as structural, functional, and spatial information, amino acid conservation, physicochemical variation, residue mobility, and thermodynamic stability) performed at Invitae indicates that this missense variant is not expected to disrupt LCT protein function. ClinVar contains an entry for this variant (Variation ID: 1016272). This variant has not been reported in the literature in individuals affected with LCT-related conditions. This variant is present in population databases (rs377167128, gnomAD 0.006%). This sequence change replaces threonine, which is neutral and polar, with methionine, which is neutral and non-polar, at codon 1499 of the LCT protein (p.Thr1499Met).

NM_002299.4(LCT):c.4496C>T (p.Thr1499Met)

Gene: LCT (lactase; minus strand). Cytogenetic location: 2q21.3.
Variant type: single nucleotide variant.
Coding change: c.4496C>T on transcript NM_002299.4 (MANE Select); coding-DNA position 4496, C replaced by T.
Protein change: p.Thr1499Met; replaces threonine 1499 with methionine.
Molecular consequence: missense variant.
Genome position (GRCh38, 1-based): chr2:135,804,097, G>A on the plus strand (C>T on the coding strand, the complement: LCT is on the minus strand). VCF-style: chr2-135804097-G-A. GRCh37 (hg19) VCF-style: chr2-136561667-G-A.
Other names: short protein forms T1499M.
Identifiers: ClinVar variation 1016272 (VCV001016272.4), dbSNP rs377167128, ClinGen allele CA1887828.